The following is an entry in ClinVar:

NM_000235.4(LIPA):c.708G>C (p.Gln236His)

Gene: LIPA (lipase A, lysosomal acid type; minus strand). Cytogenetic location: 10q23.31.
Variant type: single nucleotide variant.
Coding change: c.708G>C on transcript NM_000235.4 (MANE Select); coding-DNA position 708, G replaced by C.
Protein change: p.Gln236His; replaces glutamine 236 with histidine.
Molecular consequence: missense variant.
Genome position (GRCh38, 1-based): chr10:89,223,798, C>G on the plus strand (G>C on the coding strand, the complement: LIPA is on the minus strand). VCF-style: chr10-89223798-C-G. GRCh37 (hg19) VCF-style: chr10-90983555-C-G.
Other names: c.708G>C, p.Gln236His (NM_001127605.3); c.360G>C, p.Gln120His (NM_001288979.2); short protein forms Q120H, Q236H.
Identifiers: ClinVar variation 4047476 (VCV004047476.1).

ClinVar aggregate classification (germline): Uncertain significance (1 of 4 stars; one submission).

Conditions:
Cardiovascular phenotype. Identifiers: MedGen CN230736.

Submission:

Ambry Genetics
Classification: Uncertain significance for Cardiovascular phenotype. Last evaluated: 2025-05-14. Review status: criteria provided, single submitter. Criteria: Ambry Variant Classification Scheme 2023. Collection method: clinical testing. Allele origin: germline.
Comment: The p.Q236H variant (also known as c.708G>C), located in coding exon 6 of the LIPA gene, results from a G to C substitution at nucleotide position 708. The glutamine at codon 236 is replaced by histidine, an amino acid with highly similar properties. This amino acid position is conserved. In addition, this alteration is predicted to be tolerated by in silico analysis. Based on the available evidence, the clinical significance of this variant remains unclear.